The following is an entry in ClinVar:

ClinVar aggregate classification (germline): Likely benign. Review status: reviewed by expert panel (3 of 4 stars). 6 submissions from 6 submitters: Likely benign (1). 5 of the submissions do not count toward it. Last evaluated 2023-02-19.

Conditions:
Hereditary cancer-predisposing syndrome. Also called: Neoplastic Syndromes, Hereditary; Tumor predisposition; Hereditary Cancer Syndrome; Hereditary neoplastic syndrome. Identifiers: Orphanet 140162, MedGen C0027672, MeSH D009386, MONDO:0015356.
Familial adenomatous polyposis 1 (FAP1). Also called: FAMILIAL ADENOMATOUS POLYPOSIS 1, ATTENUATED; POLYPOSIS, ADENOMATOUS INTESTINAL. Identifiers: MedGen C2713442, MONDO:0021056, OMIM 175100. Disease mechanism: loss of function.
Classic or attenuated familial adenomatous polyposis. Identifiers: MedGen CN372698, MONDO:0021057.

Allele frequency attached by ClinVar (database versions not stated): gnomAD exomes below 0.00001; TOPMed below 0.00001; gnomAD 0.00001.
gnomAD v4.1: 3 of 1,613,782 alleles (0.00019%); highest among the groups gnomAD compares: Non-Finnish European, 0.00025%; no homozygotes.

Submissions (6):

ClinGen InSiGHT Hereditary Colorectal Cancer/Polyposis Variant Curation Expert Panel
Classification: Likely benign for Familial adenomatous polyposis 1. Last evaluated: 2023-02-19. Review status: reviewed by expert panel. Criteria: ClinGen InSiGHT HCCP VCEP ACMG Specifications APC V1. Collection method: curation. Allele origin: germline. Inheritance: Autosomal dominant inheritance.
Comment: The c.1487C>T variant in APC is a missense variant predicted to cause substitution of threonine by isoleucine at amino acid 496 (p.Thr496Ile). This variant is absent from gnomAD v2.1.1 (PM2_Supporting). APC is defined by the ClinGen InSiGHT Hereditary Colorectal Cancer/Polyposis Variant Curation Expert Panel (HCCP VCEP) as a gene for which primarily truncating variants are known to cause disease (BP1). This variant has been observed in a heterozygous state in 18 unrelated healthy adult individuals worth more than 10 healthy individual points in total (BS2; Ambry Genetics, Invitae, and GeneDX internal data). In summary, this variant meets the criteria to be classified as Likely Benign for FAP based on the ACMG/AMP criteria applied, as specified by the HCCP VCEP: BS2 and BP1 (VCEP specifications version 1.0, date of approval: 12/12/2022).

Ambry Genetics
Classification: Uncertain significance for Hereditary cancer-predisposing syndrome. Last evaluated: 2025-09-21. Review status: criteria provided, single submitter. Criteria: Ambry Variant Classification Scheme 2023. Collection method: clinical testing. Allele origin: germline. Not counted in ClinVar's aggregate classification.
Comment: The p.T496I variant (also known as c.1487C>T), located in coding exon 11 of the APC gene, results from a C to T substitution at nucleotide position 1487. The threonine at codon 496 is replaced by isoleucine, an amino acid with similar properties. This amino acid position is highly conserved in available vertebrate species. In addition, in silico predictors for this gene do not accurately predict pathogenicity. Since supporting evidence is limited at this time, the clinical significance of this alteration remains unclear.

Color Diagnostics, LLC DBA Color Health
Classification: Uncertain significance for Hereditary cancer-predisposing syndrome. Last evaluated: 2025-09-17. Review status: criteria provided, single submitter. Criteria: ACMG Guidelines, 2015. Collection method: clinical testing. Allele origin: germline. Not counted in ClinVar's aggregate classification.
Comment: This missense variant replaces threonine with isoleucine at codon 496 of the APC protein. Computational prediction is inconclusive regarding the impact of this variant on protein structure and function. To our knowledge, functional studies have not been reported for this variant. This variant has not been reported in individuals affected with APC-related disorders in the literature. This variant has not been identified in the general population by the Genome Aggregation Database (gnomAD). The available evidence is insufficient to determine the role of this variant in disease conclusively. Therefore, this variant is classified as a Variant of Uncertain Significance.

Labcorp Genetics (formerly Invitae), Labcorp
Classification: Uncertain significance for Familial adenomatous polyposis 1. Last evaluated: 2025-09-02. Review status: criteria provided, single submitter. Criteria: Invitae Variant Classification Sherloc (09022015). Collection method: clinical testing. Allele origin: germline. Not counted in ClinVar's aggregate classification.
Comment: This sequence change replaces threonine, which is neutral and polar, with isoleucine, which is neutral and non-polar, at codon 496 of the APC protein (p.Thr496Ile). This variant is not present in population databases (gnomAD no frequency). This variant has not been reported in the literature in individuals affected with APC-related conditions. ClinVar contains an entry for this variant (Variation ID: 482257). Invitae Evidence Modeling of protein sequence and biophysical properties (such as structural, functional, and spatial information, amino acid conservation, physicochemical variation, residue mobility, and thermodynamic stability) indicates that this missense variant is not expected to disrupt APC protein function with a negative predictive value of 95%. In summary, the available evidence is currently insufficient to determine the role of this variant in disease. Therefore, it has been classified as a Variant of Uncertain Significance.

All of Us Research Program, National Institutes of Health
Classification: Uncertain significance for Classic or attenuated familial adenomatous polyposis. Last evaluated: 2023-03-28. Review status: criteria provided, single submitter. Criteria: ACMG Guidelines, 2015. Collection method: clinical testing. Allele origin: germline. Inheritance: Autosomal dominant inheritance. Observed: 1 variant allele, 1 heterozygote. Not counted in ClinVar's aggregate classification.
Comment: This study involves interpretation of variants in research participants for the purpose of population health screening. Participant phenotype was not available at the time of variant classification. Additional details can be found in publication PMID: 35346344, PMCID: PMC8962531

GeneDx
Classification: Uncertain significance. Last evaluated: 2022-09-23. Review status: criteria provided, single submitter. Criteria: GeneDx Variant Classification Process June 2021. Collection method: clinical testing. Allele origin: germline. Affected: yes. Not counted in ClinVar's aggregate classification.
Comment: Not observed at significant frequency in large population cohorts (gnomAD); In silico analysis supports that this missense variant has a deleterious effect on protein structure/function; Has not been previously published as pathogenic or benign to our knowledge; This variant is associated with the following publications: (PMID: 18199528)

NM_000038.6(APC):c.1487C>T (p.Thr496Ile)

Gene: APC (APC regulator of Wnt signaling pathway; plus strand). Cytogenetic location: 5q22.2.
Variant type: single nucleotide variant.
Coding change: c.1487C>T on transcript NM_000038.6 (MANE Select); coding-DNA position 1487, C replaced by T.
Protein change: p.Thr496Ile; replaces threonine 496 with isoleucine.
Molecular consequence: missense variant.
Genome position (GRCh38, 1-based): chr5:112,827,186, C>T. VCF-style: chr5-112827186-C-T. GRCh37 (hg19) VCF-style: chr5-112162883-C-T.
Other names: NM_000038.6(APC):c.1487C>T; p.Thr496Ile; c.1487C>T, p.Thr496Ile (NM_001127510.3, NM_001354895.2); c.1433C>T, p.Thr478Ile (NM_001127511.3); c.1541C>T, p.Thr514Ile (NM_001354896.2); c.1517C>T, p.Thr506Ile (NM_001354897.2); c.1412C>T, p.Thr471Ile (NM_001354898.2); c.1403C>T, p.Thr468Ile (NM_001354899.2); and 7 more; short protein forms T478I, T496I, T405I, T468I, T471I, T455I, T514I, T213I.
Identifiers: ClinVar variation 482257 (VCV000482257.28), dbSNP rs1369979539, ClinGen allele CA16024566.